The following is an entry in ClinVar:

NM_007294.4(BRCA1):c.5278-35_5317del

Gene: BRCA1 (BRCA1 DNA repair associated; minus strand). Cytogenetic location: 17q21.31.
Variant type: Deletion.
Coding change: c.5278-35_5317del on transcript NM_007294.4 (MANE Select); 35 bases into the intron before coding-DNA position 5278 through coding-DNA position 5317, 75 bases deleted.
Molecular consequence: splice acceptor variant. On other transcripts: intron variant (2).
Genome position (GRCh38, 1-based): chr17:43,051,078-43,051,152, 75 bases deleted. GRCh37 (hg19): chr17:41,203,097-41,203,171.
Other names: c.2035-35_2074del (NM_001407971.1, NM_001407970.1); c.1960-35_1999del (NM_001408406.1, NM_001408408.1, NM_001408407.1); c.5272-35_5311del (NM_001407641.1, NM_001407629.1, NM_001407636.1 and 14 more transcripts); c.5275-35_5314del (NM_001407624.1, NM_001407858.1, NM_001407616.1 and 17 more transcripts); c.5341-35_5380del (NM_007300.4, NM_001407583.1, NM_001407587.1 and 1 more transcripts); c.5344-35_5383del (NM_001407581.1, NM_001407582.1); c.4771-35_4810del (NM_001407965.1); c.5011-35_5050del (NM_001407930.1, NM_001407933.1, NM_001407927.1 and 4 more transcripts); and 74 more.
Identifiers: ClinVar variation 3226172 (VCV003226172.1), dbSNP rs2547516324, ClinGen allele CA2825002513.

ClinVar aggregate classification (germline): Likely pathogenic (1 of 4 stars; one submission).

Conditions:
Hereditary cancer-predisposing syndrome. Also called: Neoplastic Syndromes, Hereditary; Tumor predisposition; Hereditary neoplastic syndrome; Hereditary Cancer Syndrome. Identifiers: Orphanet 140162, MedGen C0027672, MeSH D009386, MONDO:0015356.

Submission:

Ambry Genetics
Classification: Likely pathogenic for Hereditary cancer-predisposing syndrome. Last evaluated: 2024-02-14. Review status: criteria provided, single submitter. Criteria: Ambry Variant Classification Scheme 2023. Collection method: clinical testing. Allele origin: germline.
Comment: The c.5278-35_5317del75 variant results from a deletion of 75 nucleotides beginning 35 base pairs before coding exon 19 and extends into coding exon 19 and involves the canonical splice acceptor site of the BRCA1 gene. This acceptor site is highly conserved in available vertebrate species. In silico splice site analysis predicts that this alteration will weaken the native splice acceptor site and will result in the creation or strengthening of a novel splice acceptor site; however, the exact impact of this deletion on BRCA1 splicing and function is currently unknown. Alterations that disrupt the canonical splice site are expected to cause aberrant splicing, resulting in an abnormal protein or a transcript that is subject to nonsense-mediated mRNA decay. As such, this alteration is classified as likely pathogenic.